The following is an entry in ClinVar:

NM_018993.4(RIN2):c.629-8A>C

Gene: RIN2 (Ras and Rab interactor 2; plus strand). Cytogenetic location: 20p11.23.
Variant type: single nucleotide variant.
Coding change: c.629-8A>C on transcript NM_018993.4 (MANE Select); 8 bases into the intron before coding-DNA position 629, A replaced by C.
Molecular consequence: intron variant.
Genome position (GRCh38, 1-based): chr20:19,974,646, A>C. VCF-style: chr20-19974646-A-C. GRCh37 (hg19) VCF-style: chr20-19955290-A-C.
Other names: c.11-8A>C (NM_001378238.1); c.776-8A>C (NM_001242581.2).
Identifiers: ClinVar variation 511612 (VCV000511612.14), dbSNP rs190569230, ClinGen allele CA9779895.

ClinVar aggregate classification (germline): Benign/Likely benign. Review status: criteria provided, multiple submitters, no conflicts (2 of 4 stars). 3 submissions from 3 submitters: Benign (1); Likely benign (2). Last evaluated 2026-07-01.

Allele frequency attached by ClinVar (database versions not stated): gnomAD exomes 0.00014 and 0.00057; gnomAD 0.00015 and 0.00034; TOPMed 0.00026; ExAC 0.00047; 1000 Genomes Project 30x 0.00172; 1000 Genomes Project 0.00200.
gnomAD v4.1: 294 of 1,608,688 alleles (0.018%); highest among the groups gnomAD compares: East Asian, 0.28%; 1 homozygote.

Submissions (3):

CeGaT Center for Human Genetics Tuebingen
Classification: Likely benign. Last evaluated: 2026-07-01. Review status: criteria provided, single submitter. Criteria: CeGaT Center For Human Genetics Tuebingen Variant Classification Criteria Version 2. Collection method: clinical testing. Allele origin: germline. Affected: yes. Observed: 1 variant allele.
Comment: RIN2: BP4

Labcorp Genetics (formerly Invitae), Labcorp
Classification: Benign. Last evaluated: 2026-01-27. Review status: criteria provided, single submitter. Criteria: Invitae Variant Classification Sherloc (09022015). Collection method: clinical testing. Allele origin: germline.

GeneDx
Classification: Likely benign. Last evaluated: 2019-09-25. Review status: criteria provided, single submitter. Criteria: GeneDx Variant Classification Process June 2021. Collection method: clinical testing. Allele origin: germline. Affected: yes.